The following is an entry in ClinVar:

ClinVar aggregate classification (germline): Conflicting classifications of pathogenicity. Review status: criteria provided, conflicting classifications (1 of 4 stars). 4 submissions from 4 submitters: Uncertain significance (1); Likely benign (3). Last evaluated 2025-12-08.

Conditions:
Hereditary cancer-predisposing syndrome. Also called: Hereditary Cancer Syndrome; Hereditary neoplastic syndrome; Neoplastic Syndromes, Hereditary; Tumor predisposition. Identifiers: Orphanet 140162, MedGen C0027672, MeSH D009386, MONDO:0015356.
Hereditary nonpolyposis colorectal neoplasms. Identifiers: MedGen C0009405, MeSH D003123.
Lynch syndrome 4 (LYNCH4). Also called: Colorectal cancer, hereditary nonpolyposis, type 4; Hereditary non-polyposis colorectal cancer, type 4. Identifiers: Orphanet 144, MedGen C1838333, MONDO:0013699, OMIM 614337. Disease mechanism: loss of function.
Mismatch repair cancer syndrome 1 (MMRCS1). Also called: BTP1 SYNDROME; CHILDHOOD CANCER SYNDROME; MISMATCH REPAIR DEFICIENCY; MMR DEFICIENCY; BRAIN TUMOR-POLYPOSIS SYNDROME 1. Identifiers: Orphanet 252202, MedGen C5399763, MONDO:0010159, OMIM 276300. Disease mechanism: loss of function.

Allele frequency attached by ClinVar (database versions not stated): gnomAD 0.00001; gnomAD exomes 0.00001.
gnomAD v4.1: 4 of 1,566,938 alleles (0.00026%); highest among the groups gnomAD compares: Non-Finnish European, 0.00017%; no homozygotes.

Submissions (4):

Labcorp Genetics (formerly Invitae), Labcorp
Classification: Likely benign for Hereditary nonpolyposis colorectal neoplasms. Last evaluated: 2025-12-08. Review status: criteria provided, single submitter. Criteria: Invitae Variant Classification Sherloc (09022015). Collection method: clinical testing. Allele origin: germline.

Ambry Genetics
Classification: Uncertain significance for Hereditary cancer-predisposing syndrome. Last evaluated: 2025-05-12. Review status: criteria provided, single submitter. Criteria: Ambry Variant Classification Scheme 2023. Collection method: clinical testing. Allele origin: germline.
Comment: The c.989-5C>T intronic variant results from a C to T substitution 5 nucleotides upstream from coding exon 10 in the PMS2 gene. This nucleotide position is not well conserved in available vertebrate species. In silico splice site analysis predicts that this alteration will not have any significant effect on splicing; however, direct evidence is insufficient at this time (Ambry internal data). Based on the available evidence, the clinical significance of this variant remains unclear.

Myriad Genetics, Inc.
Classification: Likely benign for Lynch syndrome 4. Last evaluated: 2025-01-29. Review status: criteria provided, single submitter. Criteria: Myriad Autosomal Dominant, Autosomal Recessive and X-Linked Classification Criteria (2023). Collection method: clinical testing. Allele origin: unknown.
Comment: This variant is considered likely benign. This variant is intronic and is not expected to impact mRNA splicing.

Department of Pathology and Laboratory Medicine, Sinai Health System
Classification: Likely benign for mismatch repair cancer syndrome 1. Last evaluated: 2024-05-10. Review status: criteria provided, single submitter. Criteria: ACMG Guidelines, 2015. Collection method: clinical testing. Allele origin: germline. Affected: no.

NM_000535.7(PMS2):c.989-5C>T

Gene: PMS2 (PMS1 homolog 2, mismatch repair system component; minus strand). Cytogenetic location: 7p22.1.
Variant type: single nucleotide variant.
Coding change: c.989-5C>T on transcript NM_000535.7 (MANE Select); 5 bases into the intron before coding-DNA position 989, C replaced by T.
Molecular consequence: intron variant.
Genome position (GRCh38, 1-based): chr7:5,989,960, G>A on the plus strand (C>T on the coding strand, the complement: PMS2 is on the minus strand). VCF-style: chr7-5989960-G-A. GRCh37 (hg19) VCF-style: chr7-6029591-G-A.
Other names: c.671-5C>T (NM_001322008.2, NM_001322007.2); c.583+2013C>T (NM_001322010.2); c.584-5C>T (NM_001322004.2, NM_001322003.2, NM_001322009.2 and 1 more transcripts); c.416-5C>T (NM_001322013.2); c.56-5C>T (NM_001322012.2, NM_001322011.2); c.680-5C>T (NM_001322015.2); c.988+2013C>T (NM_001322006.2); c.989-5C>T (NM_001322014.2).
Identifiers: ClinVar variation 455751 (VCV000455751.17), dbSNP rs1401221727, ClinGen allele CA572822673.